The following is an entry in ClinVar:

ClinVar aggregate classification (germline): Uncertain significance. Review status: criteria provided, multiple submitters, no conflicts (2 of 4 stars). 2 submissions from 2 submitters: Uncertain significance (2). Last evaluated 2025-05-25.

Conditions:
Cardiovascular phenotype. Identifiers: MedGen CN230736.
Brugada syndrome. Also called: Sudden Unexplained Death Syndrome; Sudden Unexplained Nocturnal Death Syndrome (SUNDS); Sudden unexplained nocturnal death syndrome; Sudden unexpected nocturnal death syndrome. Identifiers: Orphanet 130, MedGen C1142166, MONDO:0015263.

gnomAD v4.1: 1 of 1,508,434 alleles (0.000066%); highest among the groups gnomAD compares: Non-Finnish European, 0.000092%; no homozygotes.

Submissions (2):

Ambry Genetics
Classification: Uncertain significance for Cardiovascular phenotype. Last evaluated: 2025-05-25. Review status: criteria provided, single submitter. Criteria: Ambry Variant Classification Scheme 2023. Collection method: clinical testing. Allele origin: germline.
Comment: The c.2574+3A>G intronic variant results from an A to G substitution 3 nucleotides after coding exon 32 in the CACNA2D1 gene. This nucleotide position is well conserved in available vertebrate species. In silico splice site analysis predicts that this alteration will not have any significant effect on splicing. Based on the available evidence, the clinical significance of this variant remains unclear.

Labcorp Genetics (formerly Invitae), Labcorp
Classification: Uncertain significance for Brugada syndrome. Last evaluated: 2022-11-11. Review status: criteria provided, single submitter. Criteria: Invitae Variant Classification Sherloc (09022015). Collection method: clinical testing. Allele origin: germline.
Comment: This sequence change falls in intron 32 of the CACNA2D1 gene. It does not directly change the encoded amino acid sequence of the CACNA2D1 protein. It affects a nucleotide within the consensus splice site. This variant is not present in population databases (gnomAD no frequency). This variant has not been reported in the literature in individuals affected with CACNA2D1-related conditions. Variants that disrupt the consensus splice site are a relatively common cause of aberrant splicing (PMID: 17576681, 9536098). Algorithms developed to predict the effect of sequence changes on RNA splicing suggest that this variant is not likely to affect RNA splicing. In summary, the available evidence is currently insufficient to determine the role of this variant in disease. Therefore, it has been classified as a Variant of Uncertain Significance.

Literature cited by the submitters: PubMed 17576681 (cited by Labcorp Genetics (formerly Invitae), Labcorp); PubMed 9536098 (cited by Labcorp Genetics (formerly Invitae), Labcorp).

NM_000722.4(CACNA2D1):c.2574+3A>G

Gene: CACNA2D1 (calcium voltage-gated channel auxiliary subunit alpha2delta 1; minus strand). Cytogenetic location: 7q21.11.
Variant type: single nucleotide variant.
Coding change: c.2574+3A>G on transcript NM_000722.4 (MANE Select); 3 bases into the intron after coding-DNA position 2574, A replaced by G.
Molecular consequence: intron variant.
Genome position (GRCh38, 1-based): chr7:81,965,591, T>C on the plus strand (A>G on the coding strand, the complement: CACNA2D1 is on the minus strand). VCF-style: chr7-81965591-T-C. GRCh37 (hg19) VCF-style: chr7-81594907-T-C.
Other names: c.2574+3A>G (NM_000722.2); c.2610+3A>G (NM_001366867.1).
Identifiers: ClinVar variation 2095103 (VCV002095103.5), dbSNP rs533025081, ClinGen allele CA1721000296.